The following is an entry in ClinVar:

NM_000128.4(F11):c.434A>G (p.His145Arg)

Gene: F11 (coagulation factor XI; plus strand). Cytogenetic location: 4q35.2.
Variant type: single nucleotide variant.
Coding change: c.434A>G on transcript NM_000128.4 (MANE Select); coding-DNA position 434, A replaced by G.
Protein change: p.His145Arg; replaces histidine 145 with arginine.
Molecular consequence: missense variant.
Genome position (GRCh38, 1-based): chr4:186,274,224, A>G. VCF-style: chr4-186274224-A-G. GRCh37 (hg19) VCF-style: chr4-187195378-A-G.
Other names: p.His145Arg; c.434A>G, p.His145Arg (NM_001354804.2); c.434A>G (NM_000128.3); short protein forms H145R.
Identifiers: ClinVar variation 3380992 (VCV003380992.7), dbSNP rs199657604.

ClinVar aggregate classification (germline): Conflicting classifications of pathogenicity. Review status: criteria provided, conflicting classifications (1 of 4 stars). 5 submissions from 5 submitters: Pathogenic (3); Likely pathogenic (1); Uncertain significance (1). Last evaluated 2025-07-29.

Conditions:
Hereditary factor XI deficiency disease. Also called: Congenital factor XI deficiency; PLASMA THROMBOPLASTIN ANTECEDENT DEFICIENCY; PTA DEFICIENCY; ROSENTHAL SYNDROME. Identifiers: Orphanet 329, MedGen C0015523, MeSH D005173, MONDO:0012897, OMIM 612416.

Allele frequency attached by ClinVar (database versions not stated): gnomAD 0.00005; TOPMed 0.00009 and 0.00015; gnomAD exomes 0.00015; ExAC 0.00016; 1000 Genomes Project 0.00140.
gnomAD v4.1: 73 of 1,614,246 alleles (0.0045%); highest among the groups gnomAD compares: East Asian, 0.1%; no homozygotes.

Submissions (5):

Labcorp Genetics (formerly Invitae), Labcorp
Classification: Pathogenic. Last evaluated: 2025-07-29. Review status: criteria provided, single submitter. Criteria: Invitae Variant Classification Sherloc (09022015). Collection method: clinical testing. Allele origin: germline.
Comment: This sequence change replaces histidine, which is basic and polar, with arginine, which is basic and polar, at codon 145 of the F11 protein (p.His145Arg). This variant is present in population databases (rs199657604, gnomAD 0.2%). This missense change has been observed in individual(s) with clinical features of autosomal recessive factor XI deficiency and/or clinical features of factor XI deficiency (PMID: 23571684, 31982874, 32333264, 36543159, 38835089). In at least one individual the data is consistent with being in trans (on the opposite chromosome) from a pathogenic variant. This variant is also known as His127Arg. ClinVar contains an entry for this variant (Variation ID: 3380992). Invitae Evidence Modeling of protein sequence and biophysical properties (such as structural, functional, and spatial information, amino acid conservation, physicochemical variation, residue mobility, and thermodynamic stability) indicates that this missense variant is not expected to disrupt F11 protein function with a negative predictive value of 80%. Experimental studies have shown that this missense change does not substantially affect F11 function (PMID: 36543159). In summary, the currently available evidence indicates that the variant is pathogenic, but additional data are needed to prove that conclusively. Therefore, this variant has been classified as Likely Pathogenic.

GeneDx
Classification: Uncertain significance. Last evaluated: 2025-03-28. Review status: criteria provided, single submitter. Criteria: GeneDx Variant Classification Process June 2021. Collection method: clinical testing. Allele origin: germline. Affected: yes.
Comment: Functional studies of H145R are inconclusive (PMID: 36543159); In silico analysis indicates that this missense variant does not alter protein structure/function; This variant is associated with the following publications: (PMID: 31982874, 19652879, 32333264, 36543159, 23571684, 37647632, 38835089)

First Genomix Gene Laboratory, Genetic Diagnostics Department
Classification: Likely pathogenic for Hereditary factor XI deficiency disease. Last evaluated: 2025-01-20. Review status: criteria provided, single submitter. Criteria: ACMG Guidelines, 2015. Collection method: clinical testing. Allele origin: germline. Inheritance: Autosomal recessive inheritance. Affected: no. Observed: 1 variant allele.

Mayo Clinic Laboratories, Mayo Clinic
Classification: Pathogenic. Last evaluated: 2024-09-20. Review status: criteria provided, single submitter. Criteria: ACMG Guidelines, 2015. Collection method: clinical testing. Allele origin: germline. Observed: 1 variant allele.
Comment: PP1_strong, PM1_supporting, PM3_strong, PS3_supporting

Juno Genomics, Hangzhou Juno Genomics, Inc
Classification: Pathogenic for Hereditary factor XI deficiency disease. Review status: criteria provided, single submitter. Criteria: ACMG Guidelines, 2015. Collection method: clinical testing. Allele origin: germline.
Comment: For recessive disorders, detected in trans with a pathogenic variant.;Patient's phenotype or family history is highly specific for a disease with a single genetic etiology.;The prevalence of the variant in affected individuals is significantly increased compared to the prevalence in controls.;Co-segregation with disease in multiple affected family members.

Literature cited by the submitters: PubMed 23571684 (cited by Labcorp Genetics (formerly Invitae), Labcorp and Mayo Clinic Laboratories, Mayo Clinic); PubMed 31982874 (cited by Labcorp Genetics (formerly Invitae), Labcorp and Mayo Clinic Laboratories, Mayo Clinic); PubMed 32333264 (cited by Labcorp Genetics (formerly Invitae), Labcorp and Mayo Clinic Laboratories, Mayo Clinic); PubMed 36543159 (cited by Labcorp Genetics (formerly Invitae), Labcorp and Mayo Clinic Laboratories, Mayo Clinic); PubMed 38835089 (cited by Labcorp Genetics (formerly Invitae), Labcorp and Mayo Clinic Laboratories, Mayo Clinic); PubMed 19652879 (cited by Mayo Clinic Laboratories, Mayo Clinic); PubMed 32166871 (cited by Mayo Clinic Laboratories, Mayo Clinic); PubMed 39076726 (cited by Mayo Clinic Laboratories, Mayo Clinic).